The following is an entry in ClinVar:

NM_006206.6(PDGFRA):c.2893A>G (p.Ile965Val)

Gene: PDGFRA (platelet derived growth factor receptor alpha; plus strand). Cytogenetic location: 4q12.
Variant type: single nucleotide variant.
Coding change: c.2893A>G on transcript NM_006206.6 (MANE Select); coding-DNA position 2893, A replaced by G.
Protein change: p.Ile965Val; replaces isoleucine 965 with valine.
Molecular consequence: missense variant.
Genome position (GRCh38, 1-based): chr4:54,290,325, A>G. VCF-style: chr4-54290325-A-G. GRCh37 (hg19) VCF-style: chr4-55156492-A-G.
Other names: c.2968A>G, p.Ile990Val (NM_001347828.2); c.2893A>G, p.Ile965Val (NM_001347829.2); c.2932A>G, p.Ile978Val (NM_001347830.2); short protein forms I965V, I978V, I990V.
Identifiers: ClinVar variation 3225295 (VCV003225295.1), dbSNP rs2475564887, ClinGen allele CA356895934.

ClinVar aggregate classification (germline): Uncertain significance (1 of 4 stars; one submission).

Conditions:
Hereditary cancer-predisposing syndrome. Also called: Neoplastic Syndromes, Hereditary; Tumor predisposition; Hereditary neoplastic syndrome; Hereditary Cancer Syndrome. Identifiers: Orphanet 140162, MedGen C0027672, MeSH D009386, MONDO:0015356.

Submission:

Ambry Genetics
Classification: Uncertain significance for Hereditary cancer-predisposing syndrome. Last evaluated: 2024-02-22. Review status: criteria provided, single submitter. Criteria: Ambry Variant Classification Scheme 2023. Collection method: clinical testing. Allele origin: germline.
Comment: The p.I965V variant (also known as c.2893A>G), located in coding exon 21 of the PDGFRA gene, results from an A to G substitution at nucleotide position 2893. The isoleucine at codon 965 is replaced by valine, an amino acid with highly similar properties. This amino acid position is conserved. In addition, this alteration is predicted to be tolerated by in silico analysis. Based on the available evidence, the clinical significance of this alteration remains unclear.